The following is an entry in ClinVar:

NM_025152.3(NUBPL):c.109-22TTA[3]

Gene: NUBPL (NUBP iron-sulfur cluster assembly factor, mitochondrial; plus strand). Cytogenetic location: 14q12.
Variant type: Microsatellite.
Coding change: c.109-22TTA[3] on transcript NM_025152.3 (MANE Select); three copies in a row of the 3-base unit TTA starting at c.109-22.
Molecular consequence: intron variant.
Genome position: GRCh38 VCF-style: chr14-31562045-TTTA-T. GRCh37 (hg19) VCF-style: chr14-32031251-TTTA-T.
Other names: c.109-11_109-9delATT (NM_025152.2).
Identifiers: ClinVar variation 506348 (VCV000506348.5), dbSNP rs756690905, ClinGen allele CA7147719.

ClinVar aggregate classification (germline): Likely benign. Review status: criteria provided, multiple submitters, no conflicts (2 of 4 stars). 2 submissions from 2 submitters: Likely benign (2). Last evaluated 2026-01-14.

Submissions (2):

Labcorp Genetics (formerly Invitae), Labcorp
Classification: Likely benign. Last evaluated: 2026-01-14. Review status: criteria provided, single submitter. Criteria: Invitae Variant Classification Sherloc (09022015). Collection method: clinical testing. Allele origin: germline.

GeneDx
Classification: Likely benign. Last evaluated: 2017-08-23. Review status: criteria provided, single submitter. Criteria: GeneDx Variant Classification (06012015). Collection method: clinical testing. Allele origin: germline. Affected: yes.
Comment: This variant is considered likely benign or benign based on one or more of the following criteria: it is a conservative change, it occurs at a poorly conserved position in the protein, it is predicted to be benign by multiple in silico algorithms, and/or has population frequency not consistent with disease.